The following is an entry in ClinVar:

NM_014727.3(KMT2B):c.4986C>A (p.Phe1662Leu)

Gene: KMT2B (lysine methyltransferase 2B; plus strand). Cytogenetic location: 19q13.12.
Variant type: single nucleotide variant.
Coding change: c.4986C>A on transcript NM_014727.3 (MANE Select); coding-DNA position 4986, C replaced by A.
Protein change: p.Phe1662Leu; replaces phenylalanine 1662 with leucine.
Molecular consequence: missense variant.
Genome position (GRCh38, 1-based): chr19:35,730,035, C>A. VCF-style: chr19-35730035-C-A. GRCh37 (hg19) VCF-style: chr19-36220936-C-A.
Other names: NM_014727.2:n.4986C>A(p.Phe1662Leu); short protein forms F1662L.
Identifiers: ClinVar variation 549479 (VCV000549479.1), dbSNP rs372432644, ClinGen allele CA405418948.

ClinVar aggregate classification (germline): Uncertain significance (1 of 4 stars; one submission).

Conditions:
Dystonia 28, childhood-onset (DYT28). Also called: KMT2B-Related Dystonia (DYT-KMT2B). Identifiers: Orphanet 589618, MedGen C4310633, MONDO:0015004, OMIM 617284.

Submission:

SIB Swiss Institute of Bioinformatics
Classification: Uncertain significance for Dystonia 28, childhood-onset. Last evaluated: 2018-04-16. Review status: criteria provided, single submitter. Criteria: ACMG Guidelines, 2015. Collection method: curation. Allele origin: germline.
Comment: This variant is interpreted as a Uncertain Significance, for Dystonia 28, childhood-onset, Autosomal Dominant inheritance. The following ACMG Tag(s) were applied: PM2 => Absent from controls (or at extremely low frequency if recessive) in Exome Sequencing Project, 1000 Genomes Project, or Exome Aggregation Consortium.

Literature cited by the submitters: PubMed 27992417.